The following is an entry in ClinVar:

NM_001382391.1(CSPP1):c.2830A>T (p.Lys944Ter)

Gene: CSPP1 (centrosome and spindle pole associated protein 1; plus strand). Cytogenetic location: 8q13.2.
Variant type: single nucleotide variant.
Coding change: c.2830A>T on transcript NM_001382391.1 (MANE Select); coding-DNA position 2830, A replaced by T.
Protein change: p.Lys944Ter; replaces lysine 944 with a stop codon.
Molecular consequence: nonsense.
Genome position (GRCh38, 1-based): chr8:67,172,417, A>T. VCF-style: chr8-67172417-A-T. GRCh37 (hg19) VCF-style: chr8-68084652-A-T.
Other names: c.2716A>T, p.Lys906Ter (NM_001364870.1); c.2815A>T, p.Lys939Ter (NM_024790.7); c.1780A>T, p.Lys594Ter (NM_001291339.2); c.2749A>T, p.Lys917Ter (NM_001363131.2); c.2635A>T, p.Lys879Ter (NM_001363132.2); c.2554A>T, p.Lys852Ter (NM_001363133.2); c.2896A>T, p.Lys966Ter (NM_001364869.1); short protein forms K939*, K906*, K917*, K966*, K594*, K852*, K879*, K944*.
Identifiers: ClinVar variation 581963 (VCV000581963.8), dbSNP rs1380418532, ClinGen allele CA371194868.

ClinVar aggregate classification (germline): Pathogenic (1 of 4 stars; one submission).

Conditions:
Joubert syndrome 21 (JBTS21). Identifiers: MedGen C3810212, MONDO:0014288, OMIM 615636.

Allele frequency attached by ClinVar (database versions not stated): gnomAD 0.00001; TOPMed 0.00001.
gnomAD v4.1: 2 of 1,609,954 alleles (0.00012%); highest among the groups gnomAD compares: African/African-American, 0.0027%; no homozygotes.

Submission:

Labcorp Genetics (formerly Invitae), Labcorp
Classification: Pathogenic for Joubert syndrome 21. Last evaluated: 2023-05-11. Review status: criteria provided, single submitter. Criteria: Invitae Variant Classification Sherloc (09022015). Collection method: clinical testing. Allele origin: germline.
Comment: For these reasons, this variant has been classified as Pathogenic. ClinVar contains an entry for this variant (Variation ID: 581963). This sequence change creates a premature translational stop signal (p.Lys939*) in the CSPP1 gene. It is expected to result in an absent or disrupted protein product. Loss-of-function variants in CSPP1 are known to be pathogenic (PMID: 24360807, 24360808). This variant is not present in population databases (gnomAD no frequency). This variant has not been reported in the literature in individuals affected with CSPP1-related conditions.

Literature cited by the submitters: PubMed 24360807; PubMed 24360808.